The following is an entry in ClinVar:

ClinVar aggregate classification (germline): Uncertain significance. Review status: criteria provided, multiple submitters, no conflicts (2 of 4 stars). 3 submissions from 3 submitters: Uncertain significance (3). Last evaluated 2024-06-07.

Conditions:
Charcot-Marie-Tooth disease type 2. Also called: Charcot-Marie-Tooth type 2. Identifiers: Orphanet 64746, MedGen C0270914, MONDO:0018993.

Allele frequency attached by ClinVar (database versions not stated): gnomAD exomes below 0.00001; ExAC 0.00002.
gnomAD v4.1: 3 of 1,611,754 alleles (0.00019%); highest among the groups gnomAD compares: East Asian, 0.0067%; no homozygotes.

Submissions (3):

Ambry Genetics
Classification: Uncertain significance. Last evaluated: 2024-06-07. Review status: criteria provided, single submitter. Criteria: Ambry Variant Classification Scheme 2023. Collection method: clinical testing. Allele origin: germline.

Labcorp Genetics (formerly Invitae), Labcorp
Classification: Uncertain significance for Charcot-Marie-Tooth disease type 2. Last evaluated: 2022-10-31. Review status: criteria provided, single submitter. Criteria: Invitae Variant Classification Sherloc (09022015). Collection method: clinical testing. Allele origin: germline.
Comment: This variant has not been reported in the literature in individuals affected with GARS-related conditions. Algorithms developed to predict the effect of missense changes on protein structure and function are either unavailable or do not agree on the potential impact of this missense change (SIFT: "Deleterious"; PolyPhen-2: "Benign"; Align-GVGD: "Class C0"). In summary, the available evidence is currently insufficient to determine the role of this variant in disease. Therefore, it has been classified as a Variant of Uncertain Significance. This variant is present in population databases (rs774338137, gnomAD 0.01%). This sequence change replaces lysine, which is basic and polar, with threonine, which is neutral and polar, at codon 219 of the GARS protein (p.Lys219Thr).

Mayo Clinic Laboratories, Mayo Clinic
Classification: Uncertain significance. Last evaluated: 2022-02-14. Review status: criteria provided, single submitter. Criteria: ACMG Guidelines, 2015. Collection method: clinical testing. Allele origin: germline. Observed: 1 variant allele.

NM_002047.4(GARS1):c.656A>C (p.Lys219Thr)

Gene: GARS1 (glycyl-tRNA synthetase 1; plus strand). Cytogenetic location: 7p14.3.
Variant type: single nucleotide variant.
Coding change: c.656A>C on transcript NM_002047.4 (MANE Select); coding-DNA position 656, A replaced by C.
Protein change: p.Lys219Thr; replaces lysine 219 with threonine.
Molecular consequence: missense variant.
Genome position (GRCh38, 1-based): chr7:30,603,120, A>C. VCF-style: chr7-30603120-A-C. GRCh37 (hg19) VCF-style: chr7-30642736-A-C.
Other names: p.Lys219Thr; c.494A>C, p.Lys165Thr (NM_001316772.1); short protein forms K165T, K219T.
Identifiers: ClinVar variation 2683785 (VCV002683785.5), dbSNP rs774338137, ClinGen allele CA4205765.